The following is an entry in ClinVar:

NM_020779.4(WDR35):c.2528A>G (p.Glu843Gly)

Gene: WDR35 (WD repeat domain 35; minus strand). Cytogenetic location: 2p24.1.
Variant type: single nucleotide variant.
Coding change: c.2528A>G on transcript NM_020779.4 (MANE Select); coding-DNA position 2528, A replaced by G.
Protein change: p.Glu843Gly; replaces glutamic acid 843 with glycine.
Molecular consequence: missense variant.
Genome position (GRCh38, 1-based): chr2:19,935,490, T>C on the plus strand (A>G on the coding strand, the complement: WDR35 is on the minus strand). VCF-style: chr2-19935490-T-C. GRCh37 (hg19) VCF-style: chr2-20135251-T-C.
Other names: c.2561A>G, p.Glu854Gly (NM_001006657.2); short protein forms E843G, E854G.
Identifiers: ClinVar variation 1303805 (VCV001303805.2), dbSNP rs2103402440, ClinGen allele CA345942873.

ClinVar aggregate classification (germline): Uncertain significance (1 of 4 stars; one submission).

Submission:

GeneDx
Classification: Uncertain significance. Last evaluated: 2019-09-27. Review status: criteria provided, single submitter. Criteria: GeneDx Variant Classification Process June 2021. Collection method: clinical testing. Allele origin: germline. Affected: yes.
Comment: Not observed in large population cohorts (Lek et al., 2016); In silico analysis, which includes protein predictors and evolutionary conservation, supports a deleterious effect; Has not been previously published as pathogenic or benign to our knowledge